The following is an entry in ClinVar:

ClinVar aggregate classification (germline): Uncertain significance (1 of 4 stars; one submission).

Allele frequency attached by ClinVar (database versions not stated): gnomAD exomes below 0.00001; ExAC 0.00001; gnomAD 0.00001; TOPMed 0.00001; ESP Exome Variant Server 0.00008.

Submission:

Labcorp Genetics (formerly Invitae), Labcorp
Classification: Uncertain significance. Last evaluated: 2022-02-28. Review status: criteria provided, single submitter. Criteria: Invitae Variant Classification Sherloc (09022015). Collection method: clinical testing. Allele origin: germline.
Comment: This missense change has been observed in individual(s) with retinitis pigmentosa (Invitae). In summary, the available evidence is currently insufficient to determine the role of this variant in disease. Therefore, it has been classified as a Variant of Uncertain Significance. Algorithms developed to predict the effect of missense changes on protein structure and function are either unavailable or do not agree on the potential impact of this missense change (SIFT: "Deleterious"; PolyPhen-2: "Possibly Damaging"; Align-GVGD: "Class C15"). This variant is present in population databases (rs375433526, gnomAD 0.01%). This sequence change replaces methionine, which is neutral and non-polar, with valine, which is neutral and non-polar, at codon 155 of the IMPDH1 protein (p.Met155Val).

NM_000883.4(IMPDH1):c.463A>G (p.Met155Val)

Gene: IMPDH1 (inosine monophosphate dehydrogenase 1; minus strand). Cytogenetic location: 7q32.1.
Variant type: single nucleotide variant.
Coding change: c.463A>G on transcript NM_000883.4 (MANE Select); coding-DNA position 463, A replaced by G.
Protein change: p.Met155Val; replaces methionine 155 with valine.
Molecular consequence: missense variant.
Genome position (GRCh38, 1-based): chr7:128,401,056, T>C on the plus strand (A>G on the coding strand, the complement: IMPDH1 is on the minus strand). VCF-style: chr7-128401056-T-C. GRCh37 (hg19) VCF-style: chr7-128041110-T-C.
Other names: c.433A>G, p.Met145Val (NM_001102605.2); c.208A>G, p.Met70Val (NM_001142573.2, NM_001142574.2, NM_001142575.2); c.364A>G, p.Met122Val (NM_001142576.2); c.256A>G, p.Met86Val (NM_001304521.2); c.355A>G, p.Met119Val (NM_183243.3); short protein forms M145V, M155V, M122V, M86V, M119V, M70V.
Identifiers: ClinVar variation 2164615 (VCV002164615.4), dbSNP rs375433526, ClinGen allele CA4471151.